The following is an entry in ClinVar:

ClinVar aggregate classification (germline): Pathogenic (1 of 4 stars; one submission).

Submission:

Labcorp Genetics (formerly Invitae), Labcorp
Classification: Pathogenic. Last evaluated: 2023-03-13. Review status: criteria provided, single submitter. Criteria: Invitae Variant Classification Sherloc (09022015). Collection method: clinical testing. Allele origin: germline.
Comment: For these reasons, this variant has been classified as Pathogenic. This variant has not been reported in the literature in individuals affected with AGXT-related conditions. This variant is not present in population databases (gnomAD no frequency). This sequence change creates a premature translational stop signal (p.Lys177*) in the AGXT gene. It is expected to result in an absent or disrupted protein product. Loss-of-function variants in AGXT are known to be pathogenic (PMID: 19479957).

Literature cited by the submitters: PubMed 19479957.

NM_000030.3(AGXT):c.529A>T (p.Lys177Ter)

Gene: AGXT (alanine--glyoxylate aminotransferase; plus strand). Cytogenetic location: 2q37.3.
Variant type: single nucleotide variant.
Coding change: c.529A>T on transcript NM_000030.3 (MANE Select); coding-DNA position 529, A replaced by T.
Protein change: p.Lys177Ter; replaces lysine 177 with a stop codon.
Molecular consequence: nonsense.
Genome position (GRCh38, 1-based): chr2:240,872,983, A>T. VCF-style: chr2-240872983-A-T. GRCh37 (hg19) VCF-style: chr2-241812400-A-T.
Other names: short protein forms K177*.
Identifiers: ClinVar variation 2845501 (VCV002845501.3), dbSNP rs2528749626, ClinGen allele CA351316501.